The following is an entry in ClinVar:

NM_172107.4(KCNQ2):c.1632-18C>A

Gene: KCNQ2 (potassium voltage-gated channel subfamily Q member 2; minus strand). Cytogenetic location: 20q13.33.
Variant type: single nucleotide variant.
Coding change: c.1632-18C>A on transcript NM_172107.4 (MANE Select); 18 bases into the intron before coding-DNA position 1632, C replaced by A.
Molecular consequence: intron variant.
Genome position (GRCh38, 1-based): chr20:63,413,599, G>T on the plus strand (C>A on the coding strand, the complement: KCNQ2 is on the minus strand). VCF-style: chr20-63413599-G-T. GRCh37 (hg19) VCF-style: chr20-62044952-G-T.
Other names: c.1545-18C>A (NM_001439004.1); c.1548-18C>A (NM_004518.6); c.1539-18C>A (NM_172108.5); c.1575-18C>A (NM_001439003.1); c.1578-18C>A (NM_172106.3, NM_001382235.1).
Identifiers: ClinVar variation 138025 (VCV000138025.11), dbSNP rs368910668, ClinGen allele CA291799.

ClinVar aggregate classification (germline): Benign/Likely benign. Review status: criteria provided, multiple submitters, no conflicts (2 of 4 stars). 4 submissions from 4 submitters: Benign (1); Likely benign (3). Last evaluated 2026-01-05.

Conditions:
Early-infantile DEE. Also called: Early infantile epileptic encephalopathy; Early infantile epileptic encephalopathy with suppression bursts; Ohtahara syndrome. Identifiers: Orphanet 1934, MedGen C0393706, MONDO:0800491.

Allele frequency attached by ClinVar (database versions not stated): ESP Exome Variant Server 0.00008; TOPMed 0.00015; gnomAD 0.00011 and 0.00013.
gnomAD v4.1: 284 of 1,610,952 alleles (0.018%); highest among the groups gnomAD compares: Middle Eastern, 0.1%; no homozygotes.

Submissions (4):

Labcorp Genetics (formerly Invitae), Labcorp
Classification: Likely benign for Early-infantile DEE. Last evaluated: 2026-01-05. Review status: criteria provided, single submitter. Criteria: Invitae Variant Classification Sherloc (09022015). Collection method: clinical testing. Allele origin: germline.

Blueprint Genetics
Classification: Likely benign. Last evaluated: 2024-11-13. Review status: criteria provided, single submitter. Criteria: ACMG Guidelines, 2015. Collection method: clinical testing. Allele origin: germline.

GeneDx
Classification: Benign. Last evaluated: 2013-11-04. Review status: criteria provided, single submitter. Criteria: GeneDx Variant Classification (06012015). Collection method: clinical testing. Allele origin: germline. Affected: yes.
Comment: This variant is considered likely benign or benign based on one or more of the following criteria: it is a conservative change, it occurs at a poorly conserved position in the protein, it is predicted to be benign by multiple in silico algorithms, and/or has population frequency not consistent with disease.

Breakthrough Genomics
Classification: Likely benign. Review status: criteria provided, single submitter. Criteria: ACMG Guidelines, 2015. Collection method: not provided. Allele origin: germline. Inheritance: Autosomal dominant inheritance. Affected: yes.